The following is an entry in ClinVar:

ClinVar aggregate classification (germline): Uncertain significance (1 of 4 stars; one submission).

Allele frequency attached by ClinVar (database versions not stated): TOPMed below 0.00001; gnomAD exomes 0.00001.
gnomAD v4.1: 10 of 1,614,128 alleles (0.00062%); highest among the groups gnomAD compares: Non-Finnish European, 0.00076%; no homozygotes.

Submission:

Labcorp Genetics (formerly Invitae), Labcorp
Classification: Uncertain significance. Last evaluated: 2023-08-24. Review status: criteria provided, single submitter. Criteria: Invitae Variant Classification Sherloc (09022015). Collection method: clinical testing. Allele origin: germline.
Comment: This variant has not been reported in the literature in individuals affected with MCM4-related conditions. This variant is present in population databases (no rsID available, gnomAD 0.0009%). This sequence change replaces arginine, which is basic and polar, with glutamine, which is neutral and polar, at codon 98 of the MCM4 protein (p.Arg98Gln). Algorithms developed to predict the effect of sequence changes on RNA splicing suggest that this variant may create or strengthen a splice site. In summary, the available evidence is currently insufficient to determine the role of this variant in disease. Therefore, it has been classified as a Variant of Uncertain Significance. An algorithm developed to predict the effect of missense changes on protein structure and function (PolyPhen-2) suggests that this variant is likely to be tolerated.

NM_182746.3(MCM4):c.293G>A (p.Arg98Gln)

Gene: MCM4 (minichromosome maintenance complex component 4; plus strand). Cytogenetic location: 8q11.21.
Variant type: single nucleotide variant.
Coding change: c.293G>A on transcript NM_182746.3 (MANE Select); coding-DNA position 293, G replaced by A.
Protein change: p.Arg98Gln; replaces arginine 98 with glutamine.
Molecular consequence: missense variant.
Genome position (GRCh38, 1-based): chr8:47,962,110, G>A. VCF-style: chr8-47962110-G-A. GRCh37 (hg19) VCF-style: chr8-48874670-G-A.
Other names: c.293G>A, p.Arg98Gln (NM_005914.4); short protein forms R98Q.
Identifiers: ClinVar variation 2780370 (VCV002780370.3), dbSNP rs966403056, ClinGen allele CA176154783.